The following is an entry in ClinVar:

ClinVar aggregate classification (germline): Likely benign. Review status: criteria provided, multiple submitters, no conflicts (2 of 4 stars). 3 submissions from 3 submitters: Likely benign (3). Last evaluated 2025-04-20.

Conditions:
Ehlers-Danlos syndrome, type 4 (EDSVASC). Also called: Ehlers-Danlos Syndrome Type IV; Ehlers-Danlos syndrome vascular type; Ehlers Danlos syndrome, ecchymotic type; Ehlers Danlos syndrome, arterial type; Ehlers Danlos syndrome, Sack-Barabas type. Identifiers: Orphanet 286, MedGen C0268338, MONDO:0017314, OMIM 130050.
Familial thoracic aortic aneurysm and aortic dissection (TAAD). Also called: Thoracic aortic aneurysms and dissections. Identifiers: Orphanet 91387, MedGen C4707243, MONDO:0019625.

Submissions (3):

Ambry Genetics
Classification: Likely benign for Familial thoracic aortic aneurysm and aortic dissection. Last evaluated: 2025-04-20. Review status: criteria provided, single submitter. Criteria: Ambry Variant Classification Scheme 2023. Collection method: clinical testing. Allele origin: germline.

Labcorp Genetics (formerly Invitae), Labcorp
Classification: Likely benign for Ehlers-Danlos syndrome, type 4. Last evaluated: 2019-02-13. Review status: criteria provided, single submitter. Criteria: Invitae Variant Classification Sherloc (09022015). Collection method: clinical testing. Allele origin: germline.

GeneDx
Classification: Likely benign. Last evaluated: 2015-12-10. Review status: criteria provided, single submitter. Criteria: GeneDx Variant Classification (06012015). Collection method: clinical testing. Allele origin: germline. Affected: yes.
Comment: This variant is considered likely benign or benign based on one or more of the following criteria: it is a conservative change, it occurs at a poorly conserved position in the protein, it is predicted to be benign by multiple in silico algorithms, and/or has population frequency not consistent with disease.

NM_000090.4(COL3A1):c.552C>T (p.Pro184=)

Gene: COL3A1 (collagen type III alpha 1 chain; plus strand). Cytogenetic location: 2q32.2.
Variant type: single nucleotide variant.
Coding change: c.552C>T on transcript NM_000090.4 (MANE Select); coding-DNA position 552, C replaced by T.
Protein change: p.Pro184=; no amino-acid change (proline 184 retained).
Molecular consequence: synonymous variant.
Genome position (GRCh38, 1-based): chr2:188,988,104, C>T. VCF-style: chr2-188988104-C-T. GRCh37 (hg19) VCF-style: chr2-189852830-C-T.
Identifiers: ClinVar variation 382245 (VCV000382245.11), dbSNP rs1057521290, ClinGen allele CA16604071.